The following is an entry in ClinVar:

ClinVar aggregate classification (germline): Conflicting classifications of pathogenicity. Review status: criteria provided, conflicting classifications (1 of 4 stars). 3 submissions from 2 submitters: Uncertain significance (1); Benign (1); Likely benign (1). Last evaluated 2025-10-21.

Conditions:
Pseudohypoaldosteronism, type IB1, autosomal recessive. Also called: Pseudohypoaldosteronism, Type I, Autosomal Recessive; PHA I, AUTOSOMAL RECESSIVE; Pseudohypoaldosteronism, Type I, Recessive; Autosomal recessive pseudohypoaldosteronism type 1. Identifiers: Orphanet 171876, Orphanet 756, MedGen C5774176, MONDO:0009917, OMIM 264350.
Bronchiectasis with or without elevated sweat chloride 2 (BESC2). Identifiers: Orphanet 60033, MedGen C2751666, MONDO:0013087, OMIM 613021.

Allele frequency attached by ClinVar (database versions not stated): ExAC 0.00007; gnomAD 0.00010; TOPMed 0.00010; 1000 Genomes Project 30x 0.00016; 1000 Genomes Project 0.00020.
gnomAD v4.1: 70 of 1,614,128 alleles (0.0043%); highest among the groups gnomAD compares: African/African-American, 0.012%; 2 homozygotes.

Submissions (3):

Labcorp Genetics (formerly Invitae), Labcorp
Classification: Likely benign. Last evaluated: 2025-10-21. Review status: criteria provided, single submitter. Criteria: Invitae Variant Classification Sherloc (09022015). Collection method: clinical testing. Allele origin: germline.

Illumina Laboratory Services, Illumina
Classification: Uncertain significance for Pseudohypoaldosteronism, type IB1, autosomal recessive. Last evaluated: 2018-01-13. Review status: criteria provided, single submitter. Criteria: ICSL Variant Classification Criteria 13 December 2019. Collection method: clinical testing. Allele origin: germline.

Illumina Laboratory Services, Illumina
Classification: Benign for Bronchiectasis with or without elevated sweat chloride 2. Last evaluated: 2018-01-13. Review status: criteria provided, single submitter. Criteria: ICSL Variant Classification Criteria 13 December 2019. Collection method: clinical testing. Allele origin: germline.
Comment: This variant was observed in the ICSL laboratory as part of a predisposition screen in an ostensibly healthy population. It had not been previously curated by ICSL or reported in the Human Gene Mutation Database (HGMD: prior to June 1st, 2018), and was therefore a candidate for classification through an automated scoring system. Utilizing variant allele frequency, disease prevalence and penetrance estimates, and inheritance mode, an automated score was calculated to assess if this variant is too frequent to cause the disease. Based on the score and internal cut-off values, a variant classified as benign is not then subjected to further curation. The score for this variant resulted in a classification of benign for this disease.

NM_001038.6(SCNN1A):c.1686G>A (p.Ser562=)

Gene: SCNN1A (sodium channel epithelial 1 subunit alpha; minus strand). Cytogenetic location: 12p13.31.
Variant type: single nucleotide variant.
Coding change: c.1686G>A on transcript NM_001038.6 (MANE Select); coding-DNA position 1686, G replaced by A.
Protein change: p.Ser562=; no amino-acid change (serine 562 retained).
Molecular consequence: synonymous variant.
Genome position (GRCh38, 1-based): chr12:6,348,197, C>T on the plus strand (G>A on the coding strand, the complement: SCNN1A is on the minus strand). VCF-style: chr12-6348197-C-T. GRCh37 (hg19) VCF-style: chr12-6457363-C-T.
Other names: c.1755G>A, p.Ser585= (NM_001159575.2); c.1863G>A, p.Ser621= (NM_001159576.2).
Identifiers: ClinVar variation 310133 (VCV000310133.9), dbSNP rs199526819, ClinGen allele CA6405734.